The following is an entry in ClinVar:

ClinVar aggregate classification (germline): Benign (3 of 4 stars; one submission).

Conditions:
Breast-ovarian cancer, familial, susceptibility to, 2 (BROVCA2). Also called: BRCA2 Hereditary Breast and Ovarian Cancer. Identifiers: Orphanet 145, MedGen C2675520, MONDO:0012933, OMIM 612555. Disease mechanism: loss of function.

Allele frequency attached by ClinVar (database versions not stated): gnomAD 0.00006 and 0.00109; TOPMed 0.00017; 1000 Genomes Project 0.00679; 1000 Genomes Project 30x 0.00703.
gnomAD v4.1: 163 of 152,178 alleles (0.11%); highest among the groups gnomAD compares: South Asian, 3.2%; 4 homozygotes.

Submission:

Evidence-based Network for the Interpretation of Germline Mutant Alleles (ENIGMA)
Classification: Benign for Breast-ovarian cancer, familial, susceptibility to, 2. Last evaluated: 2016-09-28. Review status: reviewed by expert panel. Criteria: ENIGMA BRCA1/2 Classification Criteria (2015). Collection method: curation. Allele origin: germline.
Comment: Class 1 not pathogenic based on frequency >1% in an outbred sampleset. Frequency 0.0348 (South Asian), derived from 1000 genomes (2013-05-02).

NM_000059.4(BRCA2):c.8632+1347C>T

Gene: BRCA2 (BRCA2 DNA repair associated; plus strand). Cytogenetic location: 13q13.1.
Variant type: single nucleotide variant.
Coding change: c.8632+1347C>T on transcript NM_000059.4 (MANE Select); 1347 bases into the intron after coding-DNA position 8632, C replaced by T.
Molecular consequence: intron variant.
Genome position (GRCh38, 1-based): chr13:32,372,447, C>T. VCF-style: chr13-32372447-C-T. GRCh37 (hg19) VCF-style: chr13-32946584-C-T.
Identifiers: ClinVar variation 264872 (VCV000264872.1), dbSNP rs372507971, ClinGen allele CA10588144.